The following is an entry in ClinVar:

ClinVar aggregate classification (germline): Uncertain significance (1 of 4 stars; one submission).

gnomAD v4.1: 6 of 1,614,260 alleles (0.00037%); highest among the groups gnomAD compares: South Asian, 0.0022%; no homozygotes.

Submission:

Labcorp Genetics (formerly Invitae), Labcorp
Classification: Uncertain significance. Last evaluated: 2025-04-02. Review status: criteria provided, single submitter. Criteria: Invitae Variant Classification Sherloc (09022015). Collection method: clinical testing. Allele origin: germline.
Comment: This sequence change replaces serine, which is neutral and polar, with phenylalanine, which is neutral and non-polar, at codon 235 of the KLF10 protein (p.Ser235Phe). This variant is not present in population databases (gnomAD no frequency). This variant has not been reported in the literature in individuals affected with KLF10-related conditions. An algorithm developed to predict the effect of missense changes on protein structure and function (PolyPhen-2) suggests that this variant is likely to be tolerated. In summary, the available evidence is currently insufficient to determine the role of this variant in disease. Therefore, it has been classified as a Variant of Uncertain Significance.

NM_005655.4(KLF10):c.704C>T (p.Ser235Phe)

Gene: KLF10 (KLF transcription factor 10; minus strand). Cytogenetic location: 8q22.3.
Variant type: single nucleotide variant.
Coding change: c.704C>T on transcript NM_005655.4 (MANE Select); coding-DNA position 704, C replaced by T.
Protein change: p.Ser235Phe; replaces serine 235 with phenylalanine.
Molecular consequence: missense variant.
Genome position (GRCh38, 1-based): chr8:102,651,628, G>A on the plus strand (C>T on the coding strand, the complement: KLF10 is on the minus strand). VCF-style: chr8-102651628-G-A. GRCh37 (hg19) VCF-style: chr8-103663856-G-A.
Other names: c.671C>T, p.Ser224Phe (NM_001032282.4); short protein forms S224F, S235F.
Identifiers: ClinVar variation 4798754 (VCV004798754.1).
Genomic context (GRCh38, chr8:102,651,628, plus strand): 5'-ACTGACTTCTGTTGTGGGGACACAGGGGCTGGCTGAGACCTGCAGATGACCGTCTCTGAG[G>A]AAGGCACAGAAAAGTCATAAAGTGCAGCACTTGCTTTCTCATCAACATCTGCCACTGTGT-3'
Protein context (NP_005646.1, residues 225-245): SAALYDFSVP[Ser235Phe]SETVICRSQP